The following is an entry in ClinVar:

ClinVar aggregate classification (germline): Conflicting classifications of pathogenicity. Review status: criteria provided, conflicting classifications (1 of 4 stars). 2 submissions from 2 submitters: Uncertain significance (1); Likely benign (1). Last evaluated 2024-02-28.

Conditions:
Neuropathy, hereditary sensory, type 2C. Also called: Hereditary sensory and autonomic neuropathy type IIC; KIF1A-Related HSAN2 (HSAN2C). Identifiers: Orphanet 970, MedGen C3280168, MONDO:0013634, OMIM 614213.
Intellectual disability, autosomal dominant 9 (NESCAVS). Also called: KIF1A-Related Neurodevelopmental Disorder; NESCAV SYNDROME. Identifiers: Orphanet 662367, MedGen C5393830, MONDO:0013656, OMIM 614255.
Hereditary spastic paraplegia 30. Identifiers: Orphanet 101010, MedGen C5235139, MONDO:0012476.

gnomAD v4.1: 2 of 1,552,460 alleles (0.00013%); highest among the groups gnomAD compares: Non-Finnish European, 0.00017%; no homozygotes.

Submissions (2):

Labcorp Genetics (formerly Invitae), Labcorp
Classification: Uncertain significance for Hereditary spastic paraplegia 30; Neuropathy, hereditary sensory, type 2C; Intellectual disability, autosomal dominant 9. Last evaluated: 2024-02-28. Review status: criteria provided, single submitter. Criteria: Invitae Variant Classification Sherloc (09022015). Collection method: clinical testing. Allele origin: germline.
Comment: This sequence change falls in intron 9 of the KIF1A gene. It does not directly change the encoded amino acid sequence of the KIF1A protein. It affects a nucleotide within the consensus splice site. This variant is not present in population databases (gnomAD no frequency). This variant has not been reported in the literature in individuals affected with KIF1A-related conditions. ClinVar contains an entry for this variant (Variation ID: 993995). Variants that disrupt the consensus splice site are a relatively common cause of aberrant splicing (PMID: 17576681, 9536098). Algorithms developed to predict the effect of sequence changes on RNA splicing suggest that this variant is not likely to affect RNA splicing. In summary, the available evidence is currently insufficient to determine the role of this variant in disease. Therefore, it has been classified as a Variant of Uncertain Significance.

ARUP Laboratories, Molecular Genetics and Genomics, ARUP Laboratories
Classification: Likely benign. Last evaluated: 2019-07-25. Review status: criteria provided, single submitter. Criteria: ARUP Molecular Germline Variant Investigation Process. Collection method: clinical testing. Allele origin: germline.

Literature cited by the submitters: PubMed 17576681 (cited by Labcorp Genetics (formerly Invitae), Labcorp); PubMed 9536098 (cited by Labcorp Genetics (formerly Invitae), Labcorp).

NM_001244008.2(KIF1A):c.882+6C>G

Gene: KIF1A (kinesin family member 1A; minus strand). Cytogenetic location: 2q37.3.
Variant type: single nucleotide variant.
Coding change: c.882+6C>G on transcript NM_001244008.2 (MANE Select); 6 bases into the intron after coding-DNA position 882, C replaced by G.
Molecular consequence: intron variant.
Genome position (GRCh38, 1-based): chr2:240,782,584, G>C on the plus strand (C>G on the coding strand, the complement: KIF1A is on the minus strand). VCF-style: chr2-240782584-G-C. GRCh37 (hg19) VCF-style: chr2-241722001-G-C.
Other names: c.882+6C>G (NM_001379653.1, NM_001379650.1, NM_001379645.1 and 20 more transcripts).
Identifiers: ClinVar variation 993995 (VCV000993995.10), dbSNP rs1290737564, ClinGen allele CA1139657807.